The following is an entry in ClinVar:

ClinVar aggregate classification (germline): Uncertain significance (1 of 4 stars; one submission).

Submission:

Women's Health and Genetics/Laboratory Corporation of America, LabCorp
Classification: Uncertain significance. Last evaluated: 2025-09-23. Review status: criteria provided, single submitter. Criteria: LabCorp Variant Classification Summary - May 2015. Collection method: clinical testing. Allele origin: germline.
Comment: Variant summary: GABBR1 c.476-2A>G is located in a canonical splice-site and is predicted to affect mRNA splicing resulting in a significantly altered protein due to either exon skipping, shortening, or inclusion of intronic material. Variants that disrupt the consensus splice site are a relatively common cause of aberrant splicing, however current evidence is not sufficient to establish loss of function as a mechanism for disease. Several computational tools predict a significant impact on normal splicing: Four predict the variant abolishes a 3' acceptor site. However, these predictions have yet to be confirmed by functional studies. The variant was absent in 278514 control chromosomes. The available data on variant occurrences in the general population are insufficient to allow any conclusion about variant significance. To our knowledge, no occurrence of c.476-2A>G in individuals affected with GABBR1-related conditions and no experimental evidence demonstrating its impact on protein function have been reported. No submitters have cited clinical-significance assessments for this variant to ClinVar. Based on the evidence outlined above, the variant was classified as uncertain significance.

NM_001470.4(GABBR1):c.476-2A>G

Gene: GABBR1 (gamma-aminobutyric acid type B receptor subunit 1; minus strand). Cytogenetic location: 6p22.1.
Variant type: single nucleotide variant.
Coding change: c.476-2A>G on transcript NM_001470.4 (MANE Select); the canonical splice acceptor site of the intron before coding-DNA position 476, A replaced by G.
Molecular consequence: splice acceptor variant.
Genome position (GRCh38, 1-based): chr6:29,629,109, T>C on the plus strand (A>G on the coding strand, the complement: GABBR1 is on the minus strand). VCF-style: chr6-29629109-T-C. GRCh37 (hg19) VCF-style: chr6-29596886-T-C.
Other names: c.290-2A>G (NM_021904.4); c.-56-2A>G (NM_001319053.2).
Identifiers: ClinVar variation 4536016 (VCV004536016.1).